The following is an entry in ClinVar:

NM_001365951.3(KIF1B):c.1025T>C (p.Leu342Ser)

Gene: KIF1B (kinesin family member 1B; plus strand). Cytogenetic location: 1p36.22.
Variant type: single nucleotide variant.
Coding change: c.1025T>C on transcript NM_001365951.3 (MANE Select); coding-DNA position 1025, T replaced by C.
Protein change: p.Leu342Ser; replaces leucine 342 with serine.
Molecular consequence: missense variant.
Genome position (GRCh38, 1-based): chr1:10,276,387, T>C. VCF-style: chr1-10276387-T-C. GRCh37 (hg19) VCF-style: chr1-10336445-T-C.
Other names: c.1025T>C, p.Leu342Ser (NM_001365952.1); c.1007T>C, p.Leu336Ser (NM_001365953.1, NM_015074.3, NM_183416.4); short protein forms L342S, L336S.
Identifiers: ClinVar variation 4826089 (VCV004826089.1).

ClinVar aggregate classification (germline): Uncertain significance (1 of 4 stars; one submission).

Submission:

Ambry Genetics
Classification: Uncertain significance. Last evaluated: 2026-03-01. Review status: criteria provided, single submitter. Criteria: Ambry Variant Classification Scheme 2023. Collection method: clinical testing. Allele origin: germline.
Comment: The p.L336S variant (also known as c.1007T>C), located in coding exon 10 of the KIF1B gene, results from a T to C substitution at nucleotide position 1007. The leucine at codon 336 is replaced by serine, an amino acid with dissimilar properties. This amino acid position is conserved. In addition, this alteration is predicted to be deleterious by in silico analysis. Based on the available evidence, the clinical significance of this variant remains unclear.